The following is an entry in ClinVar:

ClinVar aggregate classification (germline): Conflicting classifications of pathogenicity. Review status: criteria provided, conflicting classifications (1 of 4 stars). 2 submissions from 2 submitters: Likely pathogenic (1); Uncertain significance (1). Last evaluated 2025-11-05.

Conditions:
Hereditary cancer-predisposing syndrome. Also called: Neoplastic Syndromes, Hereditary; Hereditary Cancer Syndrome; Tumor predisposition; Hereditary neoplastic syndrome. Identifiers: Orphanet 140162, MedGen C0027672, MeSH D009386, MONDO:0015356.

Allele frequency attached by ClinVar (database versions not stated): gnomAD exomes below 0.00001; TOPMed below 0.00001.
gnomAD v4.1: 1 of 1,613,726 alleles (0.000062%); highest among the groups gnomAD compares: South Asian, 0.0011%; no homozygotes.

Submissions (2):

Labcorp Genetics (formerly Invitae), Labcorp
Classification: Likely pathogenic. Last evaluated: 2025-11-05. Review status: criteria provided, single submitter. Criteria: Invitae Variant Classification Sherloc (09022015). Collection method: clinical testing. Allele origin: germline.
Comment: This sequence change affects a donor splice site in intron 26 of the POLE gene. It is expected to disrupt RNA splicing. Variants that disrupt the donor or acceptor splice site typically lead to a loss of protein function (PMID: 16199547), and loss-of-function variants in POLE are known to be pathogenic (PMID: 23230001, 25948378, 30503519). This variant is present in population databases (no rsID available, gnomAD 0.003%). This variant has not been reported in the literature in individuals affected with POLE-related conditions. ClinVar contains an entry for this variant (Variation ID: 573820). Algorithms developed to predict the effect of sequence changes on RNA splicing suggest that this variant may disrupt the consensus splice site. In summary, the currently available evidence indicates that the variant is pathogenic, but additional data are needed to prove that conclusively. Therefore, this variant has been classified as Likely Pathogenic.

Ambry Genetics
Classification: Uncertain significance for Hereditary cancer-predisposing syndrome. Last evaluated: 2025-03-11. Review status: criteria provided, single submitter. Criteria: Ambry Variant Classification Scheme 2023. Collection method: clinical testing. Allele origin: germline.
Comment: The c.3275+1G>A intronic variant results from a G to A substitution one nucleotide after coding exon 26 of the POLE gene. This nucleotide position is highly conserved in available vertebrate species. In silico splice site analysis predicts that this alteration will weaken the native splice donor site and will result in the creation or strengthening of a novel splice donor site. Alterations that disrupt the canonical splice site are expected to cause aberrant splicing, resulting in an abnormal protein or a transcript that is subject to nonsense-mediated mRNA decay. Although biallelic loss of function of POLE has been associated with autosomal recessive POLE deficiency, haploinsufficiency of POLE has not been established as a mechanism of disease for POLE-related polymerase proofreading-associated polyposis (PPAP) and POLE-related CMMRD-like syndrome. Based on the supporting evidence, this variant is expected to be causative of POLE deficiency when present along with a second pathogenic variant on the other allele; however, its clinical significance for PPAP and POLE-related CMMRD-like syndrome is unclear.

Literature cited by the submitters: PubMed 16199547 (cited by Labcorp Genetics (formerly Invitae), Labcorp); PubMed 23230001 (cited by Labcorp Genetics (formerly Invitae), Labcorp); PubMed 25948378 (cited by Labcorp Genetics (formerly Invitae), Labcorp); PubMed 30503519 (cited by Labcorp Genetics (formerly Invitae), Labcorp).

NM_006231.4(POLE):c.3275+1G>A

Gene: POLE (DNA polymerase epsilon, catalytic subunit; minus strand). Cytogenetic location: 12q24.33.
Variant type: single nucleotide variant.
Coding change: c.3275+1G>A on transcript NM_006231.4 (MANE Select); the canonical splice donor site of the intron after coding-DNA position 3275, G replaced by A.
Molecular consequence: splice donor variant.
Genome position (GRCh38, 1-based): chr12:132,659,294, C>T on the plus strand (G>A on the coding strand, the complement: POLE is on the minus strand). VCF-style: chr12-132659294-C-T. GRCh37 (hg19) VCF-style: chr12-133235880-C-T.
Identifiers: ClinVar variation 573820 (VCV000573820.12), dbSNP rs1402672053, ClinGen allele CA387390167.